The following is an entry in ClinVar:

NM_031407.7(HUWE1):c.1957+5G>A

Gene: HUWE1 (HECT, UBA and WWE domain containing E3 ubiquitin protein ligase 1; minus strand). Cytogenetic location: Xp11.22.
Variant type: single nucleotide variant.
Coding change: c.1957+5G>A on transcript NM_031407.7 (MANE Select); 5 bases into the intron after coding-DNA position 1957, G replaced by A.
Molecular consequence: intron variant.
Genome position (GRCh38, 1-based): chrX:53,616,965, C>T on the plus strand (G>A on the coding strand, the complement: HUWE1 is on the minus strand). VCF-style: chrX-53616965-C-T. GRCh37 (hg19) VCF-style: chrX-53643926-C-T.
Identifiers: ClinVar variation 423130 (VCV000423130.2), dbSNP rs929965028, ClinGen allele CA16621453.

ClinVar aggregate classification (germline): Uncertain significance (1 of 4 stars; one submission).

Submission:

GeneDx
Classification: Uncertain significance. Last evaluated: 2017-02-07. Review status: criteria provided, single submitter. Criteria: GeneDx Variant Classification (06012015). Collection method: clinical testing. Allele origin: germline. Affected: yes.
Comment: The c.1957+5G>A variant in the HUWE1 gene has not been reported previously as a pathogenic variant nor as a benign variant, to our knowledge. This variant reduces the quality of the splice donor site in intron 21, and is expected to cause abnormal gene splicing. The c.1957+5G>A variant is not observed in large population cohorts (Lek et al., 2016; 1000 Genomes Consortium et al., 2015; Exome Variant Server). We interpret c.1957+5G>A as a variant of uncertain significance.